The following is an entry in ClinVar:

ClinVar aggregate classification (germline): Likely benign. Review status: criteria provided, multiple submitters, no conflicts (2 of 4 stars). 5 submissions from 5 submitters: Likely benign (4). 1 of the submissions does not count toward it. Last evaluated 2025-12-22.

Conditions:
SPG7-related disorder. Also called: SPG7-related condition.
Hereditary spastic paraplegia 7 (SPG7). Also called: SPASTIC PARAPLEGIA 7, AUTOSOMAL RECESSIVE, WITH OR WITHOUT CEREBELLAR ATAXIA; SPG7-related neurologic disorder; Spastic paraplegia 7; Hereditary spastic paraplegia Paraplegin type; Autosomal recessive spastic paraplegia type 7. Identifiers: Orphanet 99013, MedGen C1846564, MONDO:0011803, OMIM 607259.

Allele frequency attached by ClinVar (database versions not stated): gnomAD exomes 0.00006 and 0.00012; ExAC 0.00014; 1000 Genomes Project 30x 0.00031; 1000 Genomes Project 0.00040; gnomAD 0.00042 and 0.00047; TOPMed 0.00055; ESP Exome Variant Server 0.00062.
gnomAD v4.1: 151 of 1,612,102 alleles (0.0094%); highest among the groups gnomAD compares: African/African-American, 0.14%; no homozygotes.

Submissions (5):

Labcorp Genetics (formerly Invitae), Labcorp
Classification: Likely benign for Hereditary spastic paraplegia 7. Last evaluated: 2025-12-22. Review status: criteria provided, single submitter. Criteria: Invitae Variant Classification Sherloc (09022015). Collection method: clinical testing. Allele origin: germline.

Mayo Clinic Laboratories, Mayo Clinic
Classification: Likely benign. Last evaluated: 2025-01-13. Review status: criteria provided, single submitter. Criteria: ACMG Guidelines, 2015. Collection method: clinical testing. Allele origin: germline. Observed: 1 variant allele.
Comment: BP4, BP7

CeGaT Center for Human Genetics Tuebingen
Classification: Likely benign. Last evaluated: 2020-04-01. Review status: criteria provided, single submitter. Criteria: CeGaT Center For Human Genetics Tuebingen Variant Classification Criteria Version 2. Collection method: clinical testing. Allele origin: germline. Affected: yes. Observed: 1 variant allele.

GeneDx
Classification: Likely benign. Last evaluated: 2019-07-19. Review status: criteria provided, single submitter. Criteria: GeneDx Variant Classification Process June 2021. Collection method: clinical testing. Allele origin: germline. Affected: yes.

PreventionGenetics, part of Exact Sciences
Classification: Likely benign for SPG7-related condition. Last evaluated: 2020-11-30. Review status: no assertion criteria provided. Collection method: clinical testing. Allele origin: germline. Not counted in ClinVar's aggregate classification.
Comment: This variant is classified as likely benign based on ACMG/AMP sequence variant interpretation guidelines (Richards et al. 2015 PMID: 25741868, with internal and published modifications).

NM_003119.4(SPG7):c.1593C>T (p.His531=)

Gene: SPG7 (SPG7 matrix AAA peptidase subunit, paraplegin; plus strand). Cytogenetic location: 16q24.3.
Variant type: single nucleotide variant.
Coding change: c.1593C>T on transcript NM_003119.4 (MANE Select); coding-DNA position 1593, C replaced by T.
Protein change: p.His531=; no amino-acid change (histidine 531 retained).
Molecular consequence: synonymous variant.
Genome position (GRCh38, 1-based): chr16:89,548,043, C>T. VCF-style: chr16-89548043-C-T. GRCh37 (hg19) VCF-style: chr16-89614451-C-T.
Other names: p.His531=; c.1593C>T, p.His531= (NM_001363850.1); c.1593C>T (NM_003119.3).
Identifiers: ClinVar variation 392391 (VCV000392391.50), dbSNP rs61747706, ClinGen allele CA8244272.
Genomic context (GRCh38, chr16:89,548,043, plus strand): 5'-GTGGCTGTTTGTGTTGACAGGGGCTGACATCGCCAACATCTGCAATGAGGCTGCGCTGCA[C>T]GCGGCGCGGGAGGGACACACTTCCGTGCACACTCTCAACTTCGAGTACGCCGTGGAGCGC-3'
Protein context (NP_003110.1, residues 521-541): IANICNEAAL[His531=]AAREGHTSVH